The following is an entry in ClinVar:

ClinVar aggregate classification (germline): Uncertain significance (1 of 4 stars; one submission).

Conditions:
Acute myeloid leukemia (AML). Also called: Acute myeloid leukemia, adult; AML adult; Acute non-lymphocytic leukemia; Acute granulocytic leukemia; Leukemia, acute myeloid, somatic; Leukemia, acute myelogenous, somatic. Identifiers: Orphanet 519, MedGen C0023467, MeSH D015470, MONDO:0018874, OMIM 601626, HP:0004808. Disease mechanism: Constitutively activated FLT3.

Submission:

Labcorp Genetics (formerly Invitae), Labcorp
Classification: Uncertain significance for Acute myeloid leukemia. Last evaluated: 2024-04-25. Review status: criteria provided, single submitter. Criteria: Invitae Variant Classification Sherloc (09022015). Collection method: clinical testing. Allele origin: germline.
Comment: This sequence change replaces leucine, which is neutral and non-polar, with glutamine, which is neutral and polar, at codon 173 of the CEBPA protein (p.Leu173Gln). This variant is not present in population databases (gnomAD no frequency). This variant has not been reported in the literature in individuals affected with CEBPA-related conditions. Advanced modeling of protein sequence and biophysical properties (such as structural, functional, and spatial information, amino acid conservation, physicochemical variation, residue mobility, and thermodynamic stability) performed at Invitae indicates that this missense variant is not expected to disrupt CEBPA protein function with a negative predictive value of 80%. In summary, the available evidence is currently insufficient to determine the role of this variant in disease. Therefore, it has been classified as a Variant of Uncertain Significance.

NM_004364.5(CEBPA):c.518T>A (p.Leu173Gln)

Gene: CEBPA (CCAAT enhancer binding protein alpha; minus strand). Cytogenetic location: 19q13.11.
Variant type: single nucleotide variant.
Coding change: c.518T>A on transcript NM_004364.5 (MANE Select); coding-DNA position 518, T replaced by A.
Protein change: p.Leu173Gln; replaces leucine 173 with glutamine.
Molecular consequence: missense variant.
Genome position (GRCh38, 1-based): chr19:33,301,897, A>T on the plus strand (T>A on the coding strand, the complement: CEBPA is on the minus strand). VCF-style: chr19-33301897-A-T. GRCh37 (hg19) VCF-style: chr19-33792803-A-T.
Other names: c.161T>A, p.Leu54Gln (NM_001285829.2); c.623T>A, p.Leu208Gln (NM_001287424.2); c.476T>A, p.Leu159Gln (NM_001287435.2); short protein forms L173Q, L54Q, L159Q, L208Q.
Identifiers: ClinVar variation 3651239 (VCV003651239.2).